The following is an entry in ClinVar:

ClinVar aggregate classification (germline): Uncertain significance. Review status: criteria provided, multiple submitters, no conflicts (2 of 4 stars). 2 submissions from 2 submitters: Uncertain significance (2). Last evaluated 2025-11-25.

Conditions:
Aortic aneurysm, familial thoracic 8 (AAT8). Identifiers: MedGen C3809513, MONDO:0014187, OMIM 615436.
Familial thoracic aortic aneurysm and aortic dissection (TAAD). Also called: Thoracic aortic aneurysms and dissections. Identifiers: Orphanet 91387, MedGen C4707243, MONDO:0019625.

Submissions (2):

Labcorp Genetics (formerly Invitae), Labcorp
Classification: Uncertain significance for Aortic aneurysm, familial thoracic 8. Last evaluated: 2025-11-25. Review status: criteria provided, single submitter. Criteria: Invitae Variant Classification Sherloc (09022015). Collection method: clinical testing. Allele origin: germline.
Comment: This sequence change replaces cysteine, which is neutral and slightly polar, with tyrosine, which is neutral and polar, at codon 144 of the PRKG1 protein (p.Cys144Tyr). This variant is not present in population databases (gnomAD no frequency). This variant has not been reported in the literature in individuals affected with PRKG1-related conditions. ClinVar contains an entry for this variant (Variation ID: 948623). An algorithm developed to predict the effect of missense changes on protein structure and function (PolyPhen-2) suggests that this variant is likely to be tolerated. In summary, the available evidence is currently insufficient to determine the role of this variant in disease. Therefore, it has been classified as a Variant of Uncertain Significance.

Ambry Genetics
Classification: Uncertain significance for Familial thoracic aortic aneurysm and aortic dissection. Last evaluated: 2023-12-16. Review status: criteria provided, single submitter. Criteria: Ambry Variant Classification Scheme 2023. Collection method: clinical testing. Allele origin: germline.
Comment: The p.C144Y variant (also known as c.431G>A), located in coding exon 2 of the PRKG1 gene, results from a G to A substitution at nucleotide position 431. The cysteine at codon 144 is replaced by tyrosine, an amino acid with highly dissimilar properties. This amino acid position is conserved. In addition, this alteration is predicted to be deleterious by in silico analysis. Since supporting evidence is limited at this time, the clinical significance of this alteration remains unclear.

NM_006258.4(PRKG1):c.431G>A (p.Cys144Tyr)

Gene: PRKG1 (protein kinase cGMP-dependent 1; plus strand). Cytogenetic location: 10q21.1.
Variant type: single nucleotide variant.
Coding change: c.431G>A on transcript NM_006258.4 (MANE Select); coding-DNA position 431, G replaced by A.
Protein change: p.Cys144Tyr; replaces cysteine 144 with tyrosine.
Molecular consequence: missense variant.
Genome position (GRCh38, 1-based): chr10:51,153,283, G>A. VCF-style: chr10-51153283-G-A. GRCh37 (hg19) VCF-style: chr10-52913043-G-A.
Other names: c.386G>A, p.Cys129Tyr (NM_001098512.3); c.431G>A, p.Cys144Tyr (NM_001374782.1); short protein forms C129Y, C144Y.
Identifiers: ClinVar variation 948623 (VCV000948623.10), dbSNP rs1474737976, ClinGen allele CA376827557.
Genomic context (GRCh38, chr10:51,153,283, plus strand): 5'-TGTCGCAGATCCAGGAGATTGTGGATTGTATGTACCCGGTGGAGTATGGCAAGGACAGTT[G>A]CATCATCAAAGAAGGAGACGTGGGGTCACTGGTGTATGTCATGGAAGGTACGGTTTGTAA-3'
Protein context (NP_006249.1, residues 134-154): MYPVEYGKDS[Cys144Tyr]IIKEGDVGSL